The following is an entry in ClinVar:

NM_001349253.2(SCN11A):c.4086dup (p.Val1363fs)

Gene: SCN11A (sodium voltage-gated channel alpha subunit 11; minus strand). Cytogenetic location: 3p22.2.
Variant type: Duplication.
Coding change: c.4086dup on transcript NM_001349253.2 (MANE Select); coding-DNA position 4086, one base duplicated (A; older notation c.4086dupA).
Protein change: p.Val1363fs; shifts the reading frame from valine 1363.
Molecular consequence: frameshift variant.
Genome position (GRCh38, 1-based): chr3:38,850,722, T duplicated on the plus strand (A on the coding strand, the reverse complement: SCN11A is on the minus strand). VCF-style (leftmost placement, unchanged base first): chr3-38850721-C-CT. GRCh37 (hg19) VCF-style: chr3-38892212-C-CT.
Other names: c.4086dup, p.Val1363fs (NM_014139.3); short protein forms V1363fs.
Identifiers: ClinVar variation 1313977 (VCV001313977.2), dbSNP rs2126079714, ClinGen allele CA2573052160.

ClinVar aggregate classification (germline): Uncertain significance (1 of 4 stars; one submission).

Submission:

GeneDx
Classification: Uncertain significance. Last evaluated: 2020-01-21. Review status: criteria provided, single submitter. Criteria: GeneDx Variant Classification Process June 2021. Collection method: clinical testing. Allele origin: germline. Affected: yes.
Comment: Not observed in large population cohorts (Lek et al., 2016); Frameshift variant predicted to result in protein truncation or nonsense mediated decay in a gene for which loss-of-function is not a known mechanism of disease; Has not been previously published as pathogenic or benign to our knowledge